The following is an entry in ClinVar:

ClinVar aggregate classification (germline): Uncertain significance (1 of 4 stars; one submission).

Conditions:
Adams-Oliver syndrome 5 (AOS5). Identifiers: Orphanet 974, MedGen C4014970, MONDO:0014459, OMIM 616028.

Submission:

Labcorp Genetics (formerly Invitae), Labcorp
Classification: Uncertain significance for Adams-Oliver syndrome 5. Last evaluated: 2025-01-07. Review status: criteria provided, single submitter. Criteria: Invitae Variant Classification Sherloc (09022015). Collection method: clinical testing. Allele origin: germline.
Comment: This sequence change replaces glutamic acid, which is acidic and polar, with alanine, which is neutral and non-polar, at codon 286 of the NOTCH1 protein (p.Glu286Ala). This variant is not present in population databases (gnomAD no frequency). This variant has not been reported in the literature in individuals affected with NOTCH1-related conditions. Invitae Evidence Modeling of protein sequence and biophysical properties (such as structural, functional, and spatial information, amino acid conservation, physicochemical variation, residue mobility, and thermodynamic stability) indicates that this missense variant is not expected to disrupt NOTCH1 protein function with a negative predictive value of 95%. In summary, the available evidence is currently insufficient to determine the role of this variant in disease. Therefore, it has been classified as a Variant of Uncertain Significance.

NM_017617.5(NOTCH1):c.857A>C (p.Glu286Ala)

Gene: NOTCH1 (notch receptor 1; minus strand). Cytogenetic location: 9q34.3.
Variant type: single nucleotide variant.
Coding change: c.857A>C on transcript NM_017617.5 (MANE Select); coding-DNA position 857, A replaced by C.
Protein change: p.Glu286Ala; replaces glutamic acid 286 with alanine.
Molecular consequence: missense variant.
Genome position (GRCh38, 1-based): chr9:136,519,451, T>G on the plus strand (A>C on the coding strand, the complement: NOTCH1 is on the minus strand). VCF-style: chr9-136519451-T-G. GRCh37 (hg19) VCF-style: chr9-139413903-T-G.
Other names: short protein forms E286A.
Identifiers: ClinVar variation 3635977 (VCV003635977.2).